The following is an entry in ClinVar:

NM_001372.4(DNAH9):c.4990del (p.Val1664fs)

Genes: DNAH9 (dynein axonemal heavy chain 9; plus strand), LOC126862506 (BRD4-independent group 4 enhancer GRCh37_chr17:11602804-11604003; plus strand). Cytogenetic location: 17p12.
Variant type: Deletion.
Coding change: c.4990del on transcript NM_001372.4 (MANE Select); coding-DNA position 4990, one base deleted (G; older notation c.4990delG).
Protein change: p.Val1664fs; shifts the reading frame from valine 1664.
Molecular consequence: frameshift variant.
Genome position (GRCh38, 1-based): chr17:11,699,848, G deleted. VCF-style (leftmost placement, unchanged base first): chr17-11699847-TG-T. GRCh37 (hg19) VCF-style: chr17-11603164-TG-T.
Other names: short protein forms V1664fs.
Identifiers: ClinVar variation 2630739 (VCV002630739.1), dbSNP rs1409715354, ClinGen allele CA625310785.

ClinVar aggregate classification (germline): Likely pathogenic (1 of 4 stars; one submission).

Conditions:
DNAH9-related disorder. Also called: DNAH9-related condition.

Allele frequency attached by ClinVar (database versions not stated): gnomAD exomes below 0.00001.

Submission:

PreventionGenetics, part of Exact Sciences
Classification: Likely pathogenic for DNAH9-related condition. Last evaluated: 2023-09-05. Review status: criteria provided, single submitter. Criteria: ACMG Guidelines, 2015. Collection method: clinical testing. Allele origin: germline.
Comment: The DNAH9 c.4990delG variant is predicted to result in a frameshift and premature protein termination (p.Val1664Trpfs*13). To our knowledge, this variant has not been reported in the literature. This variant is reported in 0.0033% of alleles in individuals of South Asian descent in gnomAD. Frameshift variants in DNAH9 are expected to be pathogenic. This variant is interpreted as likely pathogenic.